The following is an entry in ClinVar:

NM_000057.4(BLM):c.4152T>A (p.His1384Gln)

Gene: BLM (BLM RecQ like helicase; plus strand). Cytogenetic location: 15q26.1.
Variant type: single nucleotide variant.
Coding change: c.4152T>A on transcript NM_000057.4 (MANE Select); coding-DNA position 4152, T replaced by A.
Protein change: p.His1384Gln; replaces histidine 1384 with glutamine.
Molecular consequence: missense variant.
Genome position (GRCh38, 1-based): chr15:90,815,177, T>A. VCF-style: chr15-90815177-T-A. GRCh37 (hg19) VCF-style: chr15-91358407-T-A.
Other names: c.4152T>A, p.His1384Gln (NM_001287246.2); c.3759T>A, p.His1253Gln (NM_001287247.2); c.3027T>A, p.His1009Gln (NM_001287248.2); short protein forms H1009Q, H1384Q, H1253Q.
Identifiers: ClinVar variation 1046963 (VCV001046963.9), dbSNP rs1897528380, ClinGen allele CA393852356.

ClinVar aggregate classification (germline): Uncertain significance (1 of 4 stars; one submission).

Conditions:
Bloom syndrome (BLM). Also called: Bloom-Torre-Machacek syndrome. Identifiers: Orphanet 125, MedGen C0005859, MONDO:0008876, OMIM 210900.

Submission:

Labcorp Genetics (formerly Invitae), Labcorp
Classification: Uncertain significance for Bloom syndrome. Last evaluated: 2024-08-27. Review status: criteria provided, single submitter. Criteria: Invitae Variant Classification Sherloc (09022015). Collection method: clinical testing. Allele origin: germline.
Comment: This sequence change replaces histidine, which is basic and polar, with glutamine, which is neutral and polar, at codon 1384 of the BLM protein (p.His1384Gln). This variant is not present in population databases (gnomAD no frequency). This variant has not been reported in the literature in individuals affected with BLM-related conditions. ClinVar contains an entry for this variant (Variation ID: 1046963). Invitae Evidence Modeling of protein sequence and biophysical properties (such as structural, functional, and spatial information, amino acid conservation, physicochemical variation, residue mobility, and thermodynamic stability) indicates that this missense variant is not expected to disrupt BLM protein function with a negative predictive value of 80%. In summary, the available evidence is currently insufficient to determine the role of this variant in disease. Therefore, it has been classified as a Variant of Uncertain Significance.